The following is an entry in ClinVar:

NM_004655.4(AXIN2):c.2237+9C>T

Gene: AXIN2 (axin 2; minus strand). Cytogenetic location: 17q24.1.
Variant type: single nucleotide variant.
Coding change: c.2237+9C>T on transcript NM_004655.4 (MANE Select); 9 bases into the intron after coding-DNA position 2237, C replaced by T.
Molecular consequence: intron variant.
Genome position (GRCh38, 1-based): chr17:65,535,617, G>A on the plus strand (C>T on the coding strand, the complement: AXIN2 is on the minus strand). VCF-style: chr17-65535617-G-A. GRCh37 (hg19) VCF-style: chr17-63531735-G-A.
Other names: c.2042+9C>T (NM_001363813.1).
Identifiers: ClinVar variation 3379229 (VCV003379229.2).
Genomic context (GRCh38, chr17:65,535,617, plus strand): 5'-CCAGATAGCGAATATTCTGAAACATAAAGCACTCGGCAGATCTCAGTAATGTCAGGTAAA[G>A]ACACTCACTCTTCTGGAGCCAGGCTTGGATTGGAGAAGGGTGTGGCTCCCGTCTGAACAG-3'

ClinVar aggregate classification (germline): Likely benign. Review status: criteria provided, multiple submitters, no conflicts (2 of 4 stars). 2 submissions from 2 submitters: Likely benign (2). Last evaluated 2026-01-31.

Conditions:
Oligodontia-cancer predisposition syndrome. Also called: TOOTH AGENESIS-COLORECTAL CANCER SYNDROME. Identifiers: Orphanet 300576, MedGen C1837750, MONDO:0012075, OMIM 608615. Disease mechanism: loss of function.

gnomAD v4.1: 1 of 1,612,816 alleles (0.000062%); highest among the groups gnomAD compares: Non-Finnish European, 0.000085%; no homozygotes.

Submissions (2):

Labcorp Genetics (formerly Invitae), Labcorp
Classification: Likely benign for Oligodontia-cancer predisposition syndrome. Last evaluated: 2026-01-31. Review status: criteria provided, single submitter. Criteria: Invitae Variant Classification Sherloc (09022015). Collection method: clinical testing. Allele origin: germline.

Myriad Genetics, Inc.
Classification: Likely benign for Oligodontia-cancer predisposition syndrome. Last evaluated: 2024-07-10. Review status: criteria provided, single submitter. Criteria: Myriad Autosomal Dominant, Autosomal Recessive and X-Linked Classification Criteria (2023). Collection method: clinical testing. Allele origin: unknown.
Comment: This variant is considered likely benign. This variant is intronic and is not expected to impact mRNA splicing.